The following is an entry in ClinVar:

ClinVar aggregate classification (germline): Likely pathogenic (1 of 4 stars; one submission).

Conditions:
PKD1-related disorder. Also called: PKD1-related condition.

Submission:

PreventionGenetics, part of Exact Sciences
Classification: Likely pathogenic for PKD1-related condition. Last evaluated: 2023-07-22. Review status: criteria provided, single submitter. Criteria: ACMG Guidelines, 2015. Collection method: clinical testing. Allele origin: germline.
Comment: The PKD1 c.841delC variant is predicted to result in a frameshift and premature protein termination (p.His281Thrfs*9). To our knowledge, this variant has not been reported in the literature or in a large population database, indicating this variant is rare. Frameshift variants in PKD1 are expected to be pathogenic. This variant is interpreted as likely pathogenic.

NM_001009944.3(PKD1):c.841del (p.His281fs)

Gene: PKD1 (polycystin 1, transient receptor potential channel interacting; minus strand). Cytogenetic location: 16p13.3.
Variant type: Deletion.
Coding change: c.841del on transcript NM_001009944.3 (MANE Select); coding-DNA position 841, one base deleted (C; older notation c.841delC).
Protein change: p.His281fs; shifts the reading frame from histidine 281.
Molecular consequence: frameshift variant.
Genome position (GRCh38, 1-based): chr16:2,118,151, G deleted on the plus strand (C on the coding strand, the reverse complement: PKD1 is on the minus strand); the first of 4 consecutive G bases (chr16:2,118,151-2,118,154); deleting any one gives the same sequence. VCF-style (leftmost placement, unchanged base first): chr16-2118150-TG-T. GRCh37 (hg19) VCF-style: chr16-2168151-TG-T.
Other names: c.841del, p.His281fs (NM_000296.4); c.841delC (NM_001009944.2); short protein forms H281fs.
Identifiers: ClinVar variation 2631635 (VCV002631635.1), dbSNP rs2544879304, ClinGen allele CA2695197436.